The following is an entry in ClinVar:

ClinVar aggregate classification (germline): Pathogenic (1 of 4 stars; one submission).

Conditions:
Duchenne muscular dystrophy (DMD). Also called: MUSCULAR DYSTROPHY, PSEUDOHYPERTROPHIC PROGRESSIVE, DUCHENNE TYPE; Duchenne Muscular Dystrophy (DMD). Identifiers: Orphanet 98896, MedGen C0013264, MONDO:0010679, OMIM 310200.

Submission:

Labcorp Genetics (formerly Invitae), Labcorp
Classification: Pathogenic for Duchenne muscular dystrophy. Last evaluated: 2017-04-03. Review status: criteria provided, single submitter. Criteria: Invitae Variant Classification Sherloc (09022015). Collection method: clinical testing. Allele origin: germline.
Comment: This variant is an in-frame deletion of the genomic region encompassing exons 45-51 of the DMD gene. It preserves the integrity of the reading frame. Deletion of exons 45-51 has been reported in multiple individuals affected with Duchenne or Becker muscular dystrophy (PMID: 19367636, 20153965, 9007319, 16770791). For these reasons, this variant has been classified as Pathogenic.

NC_000023.10:g.(?_31792057)_(31893510_?)del

Gene: DMD (dystrophin; minus strand). Cytogenetic location: Xp21.1.
Variant type: Deletion.
Identifiers: ClinVar variation 455811 (VCV000455811.1).